The following is an entry in ClinVar:

ClinVar aggregate classification (germline): Pathogenic (1 of 4 stars; one submission).

Conditions:
Bethlem myopathy 1A. Also called: MYOPATHY, BENIGN CONGENITAL, WITH CONTRACTURES; Bethlem myopathy 1; Bethlem Muscular Dystrophy. Identifiers: Orphanet 610, MedGen CN029274, MONDO:0024530, OMIM 158810.

Submission:

Labcorp Genetics (formerly Invitae), Labcorp
Classification: Pathogenic for Bethlem myopathy 1A. Last evaluated: 2023-07-09. Review status: criteria provided, single submitter. Criteria: Invitae Variant Classification Sherloc (09022015). Collection method: clinical testing. Allele origin: germline.
Comment: For these reasons, this variant has been classified as Pathogenic. This variant has not been reported in the literature in individuals affected with COL6A3-related conditions. This variant is not present in population databases (gnomAD no frequency). This sequence change creates a premature translational stop signal (p.Lys1861*) in the COL6A3 gene. It is expected to result in an absent or disrupted protein product. Loss-of-function variants in COL6A3 are known to be pathogenic (PMID: 26004199).

Literature cited by the submitters: PubMed 26004199.

NM_004369.4(COL6A3):c.5581A>T (p.Lys1861Ter)

Gene: COL6A3 (collagen type VI alpha 3 chain; minus strand). Cytogenetic location: 2q37.3.
Variant type: single nucleotide variant.
Coding change: c.5581A>T on transcript NM_004369.4 (MANE Select); coding-DNA position 5581, A replaced by T.
Protein change: p.Lys1861Ter; replaces lysine 1861 with a stop codon.
Molecular consequence: nonsense.
Genome position (GRCh38, 1-based): chr2:237,365,955, T>A on the plus strand (A>T on the coding strand, the complement: COL6A3 is on the minus strand). VCF-style: chr2-237365955-T-A. GRCh37 (hg19) VCF-style: chr2-238274598-T-A.
Other names: c.3760A>T, p.Lys1254Ter (NM_057166.5); c.4963A>T, p.Lys1655Ter (NM_057167.4); short protein forms K1254*, K1655*, K1861*.
Identifiers: ClinVar variation 3013315 (VCV003013315.3), dbSNP rs2469880434, ClinGen allele CA351186209.